The following is an entry in ClinVar:

NM_000349.3(STAR):c.488A>T (p.Asp163Val)

Gene: STAR (steroidogenic acute regulatory protein; minus strand). Cytogenetic location: 8p11.23.
Variant type: single nucleotide variant.
Coding change: c.488A>T on transcript NM_000349.3 (MANE Select); coding-DNA position 488, A replaced by T.
Protein change: p.Asp163Val; replaces aspartic acid 163 with valine.
Molecular consequence: missense variant.
Genome position (GRCh38, 1-based): chr8:38,146,125, T>A on the plus strand (A>T on the coding strand, the complement: STAR is on the minus strand). VCF-style: chr8-38146125-T-A. GRCh37 (hg19) VCF-style: chr8-38003643-T-A.
Other names: c.488A>T (NM_000349.2); short protein forms D163V.
Identifiers: ClinVar variation 1353843 (VCV001353843.6), dbSNP rs201579617, ClinGen allele CA4715226.

ClinVar aggregate classification (germline): Uncertain significance. Review status: criteria provided, multiple submitters, no conflicts (2 of 4 stars). 3 submissions from 3 submitters: Uncertain significance (3). Last evaluated 2024-03-19.

Conditions:
Inborn genetic diseases. Identifiers: MedGen C0950123, MeSH D030342.
Congenital lipoid adrenal hyperplasia due to STAR deficency. Also called: Cholesterol monooxygenase (side-chain cleaving) deficiency; Congenital Lipoid Adrenal Hyperplasia; ADRENAL HYPERPLASIA I; Lipoid adrenal hyperplasia. Identifiers: Orphanet 418, Orphanet 90790, MedGen C0342474, MONDO:0008725, OMIM 201710.

Allele frequency attached by ClinVar (database versions not stated): gnomAD 0.00004 and 0.00006; ExAC 0.00008; ESP Exome Variant Server 0.00008; gnomAD exomes 0.00008 and 0.00013; TOPMed 0.00008.
gnomAD v4.1: 195 of 1,613,878 alleles (0.012%); highest among the groups gnomAD compares: East Asian, 0.065%; 1 homozygote.

Submissions (3):

Fulgent Genetics
Classification: Uncertain significance for Congenital lipoid adrenal hyperplasia due to STAR deficency. Last evaluated: 2024-03-19. Review status: criteria provided, single submitter. Criteria: ACMG Guidelines, 2015. Collection method: clinical testing. Allele origin: germline.

Labcorp Genetics (formerly Invitae), Labcorp
Classification: Uncertain significance. Last evaluated: 2021-12-15. Review status: criteria provided, single submitter. Criteria: Invitae Variant Classification Sherloc (09022015). Collection method: clinical testing. Allele origin: germline.
Comment: This sequence change replaces aspartic acid, which is acidic and polar, with valine, which is neutral and non-polar, at codon 163 of the STAR protein (p.Asp163Val). This variant is present in population databases (rs201579617, gnomAD 0.03%). This variant has not been reported in the literature in individuals affected with STAR-related conditions. Algorithms developed to predict the effect of missense changes on protein structure and function are either unavailable or do not agree on the potential impact of this missense change (SIFT: "Tolerated"; PolyPhen-2: "Possibly Damaging"; Align-GVGD: "Class C0"). In summary, the available evidence is currently insufficient to determine the role of this variant in disease. Therefore, it has been classified as a Variant of Uncertain Significance.

Ambry Genetics
Classification: Uncertain significance for Inborn genetic diseases. Last evaluated: 2021-08-04. Review status: criteria provided, single submitter. Criteria: Ambry Variant Classification Scheme 2023. Collection method: clinical testing. Allele origin: germline.